The following is an entry in ClinVar:

ClinVar aggregate classification (germline): Uncertain significance (1 of 4 stars; one submission).

gnomAD v4.1: 34 of 1,210,610 alleles (0.0028%); highest among the groups gnomAD compares: Non-Finnish European, 0.0037%; no homozygotes.

Submission:

Labcorp Genetics (formerly Invitae), Labcorp
Classification: Uncertain significance. Last evaluated: 2024-04-24. Review status: criteria provided, single submitter. Criteria: Invitae Variant Classification Sherloc (09022015). Collection method: clinical testing. Allele origin: germline.
Comment: This sequence change falls in intron 19 of the DRP2 gene. It does not directly change the encoded amino acid sequence of the DRP2 protein. This variant is not present in population databases (gnomAD no frequency). This variant has not been reported in the literature in individuals affected with DRP2-related conditions. Algorithms developed to predict the effect of sequence changes on RNA splicing suggest that this variant may disrupt the consensus splice site. In summary, the available evidence is currently insufficient to determine the role of this variant in disease. Therefore, it has been classified as a Variant of Uncertain Significance.

NM_001939.3(DRP2):c.2181-5C>A

Gene: DRP2 (dystrophin related protein 2; plus strand). Cytogenetic location: Xq22.1.
Variant type: single nucleotide variant.
Coding change: c.2181-5C>A on transcript NM_001939.3 (MANE Select); 5 bases into the intron before coding-DNA position 2181, C replaced by A.
Molecular consequence: intron variant.
Genome position (GRCh38, 1-based): chrX:101,255,179, C>A. VCF-style: chrX-101255179-C-A. GRCh37 (hg19) VCF-style: chrX-100510168-C-A.
Other names: c.1947-5C>A (NM_001171184.2).
Identifiers: ClinVar variation 3670283 (VCV003670283.2).